The following is an entry in ClinVar:

ClinVar aggregate classification (germline): Uncertain significance (1 of 4 stars; one submission).

Allele frequency attached by ClinVar (database versions not stated): gnomAD exomes 0.00003; gnomAD 0.00005; ExAC 0.00006; 1000 Genomes Project 0.00020; 1000 Genomes Project 30x 0.00031.
gnomAD v4.1: 60 of 1,608,940 alleles (0.0037%); highest among the groups gnomAD compares: East Asian, 0.049%; no homozygotes.

Submission:

Labcorp Genetics (formerly Invitae), Labcorp
Classification: Uncertain significance. Last evaluated: 2024-09-09. Review status: criteria provided, single submitter. Criteria: Invitae Variant Classification Sherloc (09022015). Collection method: clinical testing. Allele origin: germline.
Comment: This sequence change replaces arginine, which is basic and polar, with glutamine, which is neutral and polar, at codon 414 of the GRID2 protein (p.Arg414Gln). This variant is present in population databases (rs568845338, gnomAD 0.05%). This variant has not been reported in the literature in individuals affected with GRID2-related conditions. ClinVar contains an entry for this variant (Variation ID: 1930621). Invitae Evidence Modeling of protein sequence and biophysical properties (such as structural, functional, and spatial information, amino acid conservation, physicochemical variation, residue mobility, and thermodynamic stability) indicates that this missense variant is not expected to disrupt GRID2 protein function with a negative predictive value of 80%. In summary, the available evidence is currently insufficient to determine the role of this variant in disease. Therefore, it has been classified as a Variant of Uncertain Significance.

NM_001510.4(GRID2):c.1241G>A (p.Arg414Gln)

Gene: GRID2 (glutamate ionotropic receptor delta type subunit 2; plus strand). Cytogenetic location: 4q22.2.
Variant type: single nucleotide variant.
Coding change: c.1241G>A on transcript NM_001510.4 (MANE Select); coding-DNA position 1241, G replaced by A.
Protein change: p.Arg414Gln; replaces arginine 414 with glutamine.
Molecular consequence: missense variant.
Genome position (GRCh38, 1-based): chr4:93,238,486, G>A. VCF-style: chr4-93238486-G-A. GRCh37 (hg19) VCF-style: chr4-94159637-G-A.
Other names: c.956G>A, p.Arg319Gln (NM_001286838.1); short protein forms R319Q, R414Q.
Identifiers: ClinVar variation 1930621 (VCV001930621.5), dbSNP rs568845338, ClinGen allele CA3012198.